The following is an entry in ClinVar:

ClinVar aggregate classification (germline): Benign. Review status: criteria provided, multiple submitters, no conflicts (2 of 4 stars). 2 submissions from 2 submitters: Benign (2). Last evaluated 2018-06-16.

Allele frequency attached by ClinVar (database versions not stated): gnomAD 0.06084; TOPMed 0.07255; 1000 Genomes Project 0.13019.
gnomAD v4.1: 9,290 of 152,122 alleles (6.1%); highest among the groups gnomAD compares: East Asian, 35%; 555 homozygotes.

Submissions (2):

GeneDx
Classification: Benign. Last evaluated: 2018-06-16. Review status: criteria provided, single submitter. Criteria: GeneDx Variant Classification (06012015). Collection method: clinical testing. Allele origin: germline. Affected: yes.
Comment: This variant is considered likely benign or benign based on one or more of the following criteria: it is a conservative change, it occurs at a poorly conserved position in the protein, it is predicted to be benign by multiple in silico algorithms, and/or has population frequency not consistent with disease.

Breakthrough Genomics
Classification: Benign. Review status: criteria provided, single submitter. Criteria: ACMG Guidelines, 2015. Collection method: not provided. Allele origin: germline. Inheritance: Autosomal recessive inheritance. Affected: yes.

NM_001849.4(COL6A2):c.1771-159G>A

Gene: COL6A2 (collagen type VI alpha 2 chain; plus strand). Cytogenetic location: 21q22.3.
Variant type: single nucleotide variant.
Coding change: c.1771-159G>A on transcript NM_001849.4 (MANE Select); 159 bases into the intron before coding-DNA position 1771, G replaced by A.
Molecular consequence: intron variant.
Genome position (GRCh38, 1-based): chr21:46,125,107, G>A. VCF-style: chr21-46125107-G-A. GRCh37 (hg19) VCF-style: chr21-47545021-G-A.
Other names: c.1771-159G>A (NM_058175.3, NM_058174.3).
Identifiers: ClinVar variation 681641 (VCV000681641.2), dbSNP rs73382469, ClinGen allele CA14875504.
Genomic context (GRCh38, chr21:46,125,107, plus strand): 5'-AAGGTCAGAGAGCAAGCTTGGTTGGGGAAGGTCACAGGGCAAGGTTGGTGGGGGGAGGAG[G>A]GTGGCAGCGAGGTTGGTAGGGACAGGACCCGCCAGCCTCCCCGCATGGCTGCCTCCACAC-3'